The following is an entry in ClinVar:

NM_007194.4(CHEK2):c.533G>T (p.Gly178Val)

Gene: CHEK2 (checkpoint kinase 2; minus strand). Cytogenetic location: 22q12.1.
Variant type: single nucleotide variant.
Coding change: c.533G>T on transcript NM_007194.4 (MANE Select); coding-DNA position 533, G replaced by T.
Protein change: p.Gly178Val; replaces glycine 178 with valine.
Molecular consequence: missense variant. On other transcripts: 5 prime UTR variant (2), intron variant (1).
Genome position (GRCh38, 1-based): chr22:28,725,036, C>A on the plus strand (G>T on the coding strand, the complement: CHEK2 is on the minus strand). VCF-style: chr22-28725036-C-A. GRCh37 (hg19) VCF-style: chr22-29121024-C-A.
Other names: c.662G>T, p.Gly221Val (NM_001005735.3, NM_001438294.1); c.-245G>T (NM_001257387.3); c.-131G>T (NM_001437942.1); c.626G>T, p.Gly209Val (NM_001438293.1, NM_001438295.1); c.533G>T, p.Gly178Val (NM_145862.3); c.445-113G>T (NM_001349956.3); short protein forms G221V, G178V, G209V.
Identifiers: ClinVar variation 651757 (VCV000651757.9), dbSNP rs864622691, ClinGen allele CA411107251.

ClinVar aggregate classification (germline): Uncertain significance (1 of 4 stars; one submission).

Conditions:
Familial cancer of breast. Also called: hereditary breast carcinoma; BREAST CANCER, FAMILIAL; Hereditary breast cancer. Identifiers: Orphanet 227535, MedGen C0346153, MONDO:0016419, OMIM 114480. Disease mechanism: loss of function.

Submission:

Labcorp Genetics (formerly Invitae), Labcorp
Classification: Uncertain significance for Familial cancer of breast. Last evaluated: 2024-01-09. Review status: criteria provided, single submitter. Criteria: Invitae Variant Classification Sherloc (09022015). Collection method: clinical testing. Allele origin: germline.
Comment: This sequence change replaces glycine, which is neutral and non-polar, with valine, which is neutral and non-polar, at codon 178 of the CHEK2 protein (p.Gly178Val). This variant is not present in population databases (gnomAD no frequency). This variant has not been reported in the literature in individuals affected with CHEK2-related conditions. ClinVar contains an entry for this variant (Variation ID: 651757). An algorithm developed to predict the effect of missense changes on protein structure and function (PolyPhen-2) suggests that this variant is likely to be disruptive. In summary, the available evidence is currently insufficient to determine the role of this variant in disease. Therefore, it has been classified as a Variant of Uncertain Significance.